The following is an entry in ClinVar:

NM_015046.7(SETX):c.658A>C (p.Lys220Gln)

Gene: SETX (senataxin; minus strand). Cytogenetic location: 9q34.13.
Variant type: single nucleotide variant.
Coding change: c.658A>C on transcript NM_015046.7 (MANE Select); coding-DNA position 658, A replaced by C.
Protein change: p.Lys220Gln; replaces lysine 220 with glutamine.
Molecular consequence: missense variant.
Genome position (GRCh38, 1-based): chr9:132,336,356, T>G on the plus strand (A>C on the coding strand, the complement: SETX is on the minus strand). VCF-style: chr9-132336356-T-G. GRCh37 (hg19) VCF-style: chr9-135211743-T-G.
Other names: c.658A>C, p.Lys220Gln (NM_001351527.2, NM_001351528.2); short protein forms K220Q.
Identifiers: ClinVar variation 1031857 (VCV001031857.41), dbSNP rs761180215, ClinGen allele CA5297988.
Genomic context (GRCh38, chr9:132,336,356, plus strand): 5'-CTAACCAATAGCTTTTGTAGTTGGTAGTATCATACATGTGTGAGGGCAGAAGAATCAGTT[T>G]ACCCTTCTCTAGGACAGAAGAAGTATAAATGTCTGGACTCTCTAAAAGCCCCAACTCAAT-3'
Protein context (NP_055861.3, residues 210-230): IYTSSVLEKG[Lys220Gln]LILLPSHMYD

ClinVar aggregate classification (germline): Conflicting classifications of pathogenicity. Review status: criteria provided, conflicting classifications (1 of 4 stars). 9 submissions from 8 submitters: Uncertain significance (8); Benign (1). Last evaluated 2026-03-16.

Conditions:
SETX-related disorder. Also called: SETX-related disorders; SETX-related condition. Identifiers: MedGen CN239403.
Inborn genetic diseases. Identifiers: MedGen C0950123, MeSH D030342.
Spinocerebellar ataxia, autosomal recessive, with axonal neuropathy 2 (SCAN2). Also called: Ataxia with Oculomotor Apraxia; ATAXIA-OCULOMOTOR APRAXIA 2; Ataxia-ocular apraxia-2; Ataxia with Oculomotor Apraxia Type 2. Identifiers: Orphanet 64753, MedGen C1853761, MONDO:0018996, OMIM 606002.
Amyotrophic lateral sclerosis type 4 (ALS4). Also called: AMYOTROPHIC LATERAL SCLEROSIS 4, JUVENILE; NEURONOPATHY, DISTAL HEREDITARY MOTOR, WITH PYRAMIDAL FEATURES. Identifiers: Orphanet 357043, MedGen C1865409, MONDO:0011223, OMIM 602433.

Allele frequency attached by ClinVar (database versions not stated): ExAC 0.00003; TOPMed 0.00004; gnomAD 0.00006.
gnomAD v4.1: 55 of 1,614,016 alleles (0.0034%); highest among the groups gnomAD compares: Non-Finnish European, 0.0047%; no homozygotes.

Submissions (9):

PreventionGenetics, part of Exact Sciences
Classification: Uncertain significance for SETX-related condition. Last evaluated: 2026-03-16. Review status: criteria provided, single submitter. Criteria: ACMG Guidelines, 2015. Collection method: clinical testing. Allele origin: germline.
Comment: The SETX c.658A>C variant is predicted to result in the amino acid substitution p.Lys220Gln. This variant has been reported in an individual with amyotrophic lateral sclerosis (Cady et al. 2015. PubMed ID: 25382069). This variant is reported in 0.0062% of alleles in individuals of European (Non-Finnish) descent in gnomAD. At this time, the clinical significance of this variant is uncertain due to the absence of conclusive functional and genetic evidence.

Labcorp Genetics (formerly Invitae), Labcorp
Classification: Benign for Amyotrophic lateral sclerosis type 4; Spinocerebellar ataxia, autosomal recessive, with axonal neuropathy 2. Last evaluated: 2024-11-18. Review status: criteria provided, single submitter. Criteria: Invitae Variant Classification Sherloc (09022015). Collection method: clinical testing. Allele origin: germline.

GeneDx
Classification: Uncertain significance. Last evaluated: 2024-10-15. Review status: criteria provided, single submitter. Criteria: GeneDx Variant Classification Process June 2021. Collection method: clinical testing. Allele origin: germline. Affected: yes.
Comment: In silico analysis indicates that this missense variant does not alter protein structure/function; Reported previously in a patient with sporadic ALS with bulbar onset (PMID: 25382069); This variant is associated with the following publications: (PMID: 25382069)

Blueprint Genetics
Classification: Uncertain significance. Last evaluated: 2024-04-08. Review status: criteria provided, single submitter. Criteria: ACMG Guidelines, 2015. Collection method: clinical testing. Allele origin: germline.

Genome-Nilou Lab
Classification: Uncertain significance for Spinocerebellar ataxia, autosomal recessive, with axonal neuropathy 2. Last evaluated: 2023-02-08. Review status: criteria provided, single submitter. Criteria: ACMG Guidelines, 2015. Collection method: clinical testing. Allele origin: germline.

Genome-Nilou Lab
Classification: Uncertain significance for Amyotrophic lateral sclerosis type 4. Last evaluated: 2023-02-08. Review status: criteria provided, single submitter. Criteria: ACMG Guidelines, 2015. Collection method: clinical testing. Allele origin: germline.

CeGaT Center for Human Genetics Tuebingen
Classification: Uncertain significance. Last evaluated: 2023-02-01. Review status: criteria provided, single submitter. Criteria: CeGaT Center For Human Genetics Tuebingen Variant Classification Criteria Version 2. Collection method: clinical testing. Allele origin: germline. Affected: yes. Observed: 1 variant allele.
Comment: SETX: PP4, PS4:Supporting, BP4

Ambry Genetics
Classification: Uncertain significance for Inborn genetic diseases. Last evaluated: 2019-10-30. Review status: criteria provided, single submitter. Criteria: Ambry Variant Classification Scheme 2023. Collection method: clinical testing. Allele origin: germline.
Comment: The p.K220Q variant (also known as c.658A>C), located in coding exon 4 of the SETX gene, results from an A to C substitution at nucleotide position 658. The lysine at codon 220 is replaced by glutamine, an amino acid with similar properties. The p.K220Q variant was reported in one patient with sporadic amyotrophic lateral sclerosis (ALS) among a cohort of affected patients (Cady J et al. Ann. Neurol., 2015 Jan;77:100-13). This amino acid position is highly conserved in available vertebrate species. In addition, this alteration is predicted to be tolerated by in silico analysis. Since supporting evidence is limited at this time, the clinical significance of this alteration remains unclear.

Baylor Genetics
Classification: Uncertain significance for Amyotrophic lateral sclerosis type 4. Last evaluated: 2018-07-31. Review status: criteria provided, single submitter. Criteria: ACMG Guidelines, 2015. Collection method: clinical testing. Allele origin: maternal. Affected: yes.
Comment: This variant was determined to be of uncertain significance according to ACMG Guidelines, 2015 [PMID:25741868].

Literature cited by the submitters: PubMed 25382069 (cited by Ambry Genetics).